The following is an entry in ClinVar:

NM_015691.5(WWC3):c.1812G>A (p.Ser604=)

Gene: WWC3 (WWC family member 3; plus strand). Cytogenetic location: Xp22.2.
Variant type: single nucleotide variant.
Coding change: c.1812G>A on transcript NM_015691.5; coding-DNA position 1812, G replaced by A.
Protein change: p.Ser604=; no amino-acid change (serine 604 retained).
Molecular consequence: synonymous variant.
Genome position (GRCh38, 1-based): chrX:10,117,496, G>A. VCF-style: chrX-10117496-G-A. GRCh37 (hg19) VCF-style: chrX-10085536-G-A.
Identifiers: ClinVar variation 2659963 (VCV002659963.24), dbSNP rs188883796, ClinGen allele CA10346406.

ClinVar aggregate classification (germline): Likely benign (1 of 4 stars; one submission).

Allele frequency attached by ClinVar (database versions not stated): gnomAD exomes 0.00004; ExAC 0.00010; gnomAD 0.00013; TOPMed 0.00023; 1000 Genomes Project 0.00026; ESP Exome Variant Server 0.00038; 1000 Genomes Project 30x 0.00042.

Submission:

CeGaT Center for Human Genetics Tuebingen
Classification: Likely benign. Last evaluated: 2022-06-01. Review status: criteria provided, single submitter. Criteria: CeGaT Center For Human Genetics Tuebingen Variant Classification Criteria Version 2. Collection method: clinical testing. Allele origin: germline. Affected: yes. Observed: 1 variant allele.
Comment: WWC3: BP4, BP7